The following is an entry in ClinVar:

ClinVar aggregate classification (germline): Uncertain significance. Review status: criteria provided, multiple submitters, no conflicts (2 of 4 stars). 2 submissions from 2 submitters: Uncertain significance (2). Last evaluated 2025-05-06.

Conditions:
Emery-Dreifuss muscular dystrophy 5, autosomal dominant (EDMD5). Also called: EMERY-DREIFUSS MUSCULAR DYSTROPHY 5. Identifiers: Orphanet 261, MedGen C2751805, MONDO:0013072, OMIM 612999.

gnomAD v4.1: 2 of 1,613,944 alleles (0.00012%); highest among the groups gnomAD compares: East Asian, 0.0045%; no homozygotes.

Submissions (2):

Ambry Genetics
Classification: Uncertain significance. Last evaluated: 2025-05-06. Review status: criteria provided, single submitter. Criteria: Ambry Variant Classification Scheme 2023. Collection method: clinical testing. Allele origin: germline.

Labcorp Genetics (formerly Invitae), Labcorp
Classification: Uncertain significance for Emery-Dreifuss muscular dystrophy 5, autosomal dominant. Last evaluated: 2024-08-31. Review status: criteria provided, single submitter. Criteria: Invitae Variant Classification Sherloc (09022015). Collection method: clinical testing. Allele origin: germline.
Comment: This sequence change replaces isoleucine, which is neutral and non-polar, with threonine, which is neutral and polar, at codon 4399 of the SYNE2 protein (p.Ile4399Thr). This variant is present in population databases (rs758501158, gnomAD 0.006%). This variant has not been reported in the literature in individuals affected with SYNE2-related conditions. An algorithm developed to predict the effect of missense changes on protein structure and function (PolyPhen-2) suggests that this variant is likely to be disruptive. In summary, the available evidence is currently insufficient to determine the role of this variant in disease. Therefore, it has been classified as a Variant of Uncertain Significance.

NM_182914.3(SYNE2):c.13196T>C (p.Ile4399Thr)

Gene: SYNE2 (spectrin repeat containing nuclear envelope protein 2; plus strand). Cytogenetic location: 14q23.2.
Variant type: single nucleotide variant.
Coding change: c.13196T>C on transcript NM_182914.3 (MANE Select); coding-DNA position 13196, T replaced by C.
Protein change: p.Ile4399Thr; replaces isoleucine 4399 with threonine.
Molecular consequence: missense variant.
Genome position (GRCh38, 1-based): chr14:64,122,049, T>C. VCF-style: chr14-64122049-T-C. GRCh37 (hg19) VCF-style: chr14-64588767-T-C.
Other names: c.13196T>C, p.Ile4399Thr (NM_015180.6); c.13196T>C (NM_182914.2); short protein forms I4399T.
Identifiers: ClinVar variation 3605970 (VCV003605970.3).